The following is an entry in ClinVar:

ClinVar aggregate classification (germline): Uncertain significance. Review status: criteria provided, multiple submitters, no conflicts (2 of 4 stars). 2 submissions from 2 submitters: Uncertain significance (2). Last evaluated 2025-12-18.

Conditions:
NLRP12-related disorder. Also called: NLRP12-related condition; NLRP12-related conditions.
Familial cold autoinflammatory syndrome 2 (FCAS2). Identifiers: Orphanet 247868, MedGen C2673198, MONDO:0012724, OMIM 611762.

Allele frequency attached by ClinVar (database versions not stated): gnomAD exomes below 0.00001; TOPMed below 0.00001; ExAC 0.00001; ESP Exome Variant Server 0.00008.
gnomAD v4.1: 1 of 1,613,936 alleles (0.000062%); highest among the groups gnomAD compares: Non-Finnish European, 0.000085%; no homozygotes.

Submissions (2):

Labcorp Genetics (formerly Invitae), Labcorp
Classification: Uncertain significance for Familial cold autoinflammatory syndrome 2. Last evaluated: 2025-12-18. Review status: criteria provided, single submitter. Criteria: Invitae Variant Classification Sherloc (09022015). Collection method: clinical testing. Allele origin: germline.
Comment: This sequence change replaces isoleucine, which is neutral and non-polar, with threonine, which is neutral and polar, at codon 474 of the NLRP12 protein (p.Ile474Thr). This variant is present in population databases (rs370793207, gnomAD 0.0009%). This variant has not been reported in the literature in individuals affected with NLRP12-related conditions. ClinVar contains an entry for this variant (Variation ID: 2066477). Invitae Evidence Modeling of protein sequence and biophysical properties (such as structural, functional, and spatial information, amino acid conservation, physicochemical variation, residue mobility, and thermodynamic stability) indicates that this missense variant is not expected to disrupt NLRP12 protein function with a negative predictive value of 80%. In summary, the available evidence is currently insufficient to determine the role of this variant in disease. Therefore, it has been classified as a Variant of Uncertain Significance.

PreventionGenetics, part of Exact Sciences
Classification: Uncertain significance for NLRP12-related condition. Last evaluated: 2025-01-27. Review status: criteria provided, single submitter. Criteria: ACMG Guidelines, 2015. Collection method: clinical testing. Allele origin: germline.
Comment: The NLRP12 c.1421T>C variant is predicted to result in the amino acid substitution p.Ile474Thr. To our knowledge, this variant has not been reported in the literature. This variant is reported in 0.00088% of alleles in individuals of European (Non-Finnish) descent in gnomAD. At this time, the clinical significance of this variant is uncertain due to the absence of conclusive functional and genetic evidence.

NM_144687.4(NLRP12):c.1421T>C (p.Ile474Thr)

Gene: NLRP12 (NLR family pyrin domain containing 12; minus strand). Cytogenetic location: 19q13.42.
Variant type: single nucleotide variant.
Coding change: c.1421T>C on transcript NM_144687.4 (MANE Select); coding-DNA position 1421, T replaced by C.
Protein change: p.Ile474Thr; replaces isoleucine 474 with threonine.
Molecular consequence: missense variant.
Genome position (GRCh38, 1-based): chr19:53,810,238, A>G on the plus strand (T>C on the coding strand, the complement: NLRP12 is on the minus strand). VCF-style: chr19-53810238-A-G. GRCh37 (hg19) VCF-style: chr19-54313492-A-G.
Other names: c.1421T>C, p.Ile474Thr (NM_001277126.2, NM_001277129.1); c.1421T>C (NM_144687.3); short protein forms I474T.
Identifiers: ClinVar variation 2066477 (VCV002066477.5), dbSNP rs370793207, ClinGen allele CA9639431.